The following is an entry in ClinVar:

NM_022455.5(NSD1):c.3563G>A (p.Arg1188Lys)

Gene: NSD1 (nuclear receptor binding SET domain protein 1; plus strand). Cytogenetic location: 5q35.3.
Variant type: single nucleotide variant.
Coding change: c.3563G>A on transcript NM_022455.5 (MANE Select); coding-DNA position 3563, G replaced by A.
Protein change: p.Arg1188Lys; replaces arginine 1188 with lysine.
Molecular consequence: missense variant.
Genome position (GRCh38, 1-based): chr5:177,211,962, G>A. VCF-style: chr5-177211962-G-A. GRCh37 (hg19) VCF-style: chr5-176638963-G-A.
Other names: c.2690G>A, p.Arg897Lys (NM_001365684.2, NM_001409306.1, NM_001409307.1 and 3 more transcripts); c.3563G>A, p.Arg1188Lys (NM_001409301.1, NM_001409302.1, NM_001409303.1); c.3143G>A, p.Arg1048Lys (NM_001409304.1); c.2810G>A, p.Arg937Lys (NM_001409305.1); short protein forms R1188K, R937K, R1048K, R897K, R919K.
Identifiers: ClinVar variation 1732726 (VCV001732726.2), dbSNP rs2480466953, ClinGen allele CA362325840.

ClinVar aggregate classification (germline): Uncertain significance (1 of 4 stars; one submission).

Conditions:
Inborn genetic diseases. Identifiers: MedGen C0950123, MeSH D030342.

Allele frequency attached by ClinVar (database versions not stated): gnomAD exomes below 0.00001.
gnomAD v4.1: 1 of 1,609,910 alleles (0.000062%); highest among the groups gnomAD compares: Non-Finnish European, 0.000085%; no homozygotes.

Submission:

Ambry Genetics
Classification: Uncertain significance for Inborn genetic diseases. Last evaluated: 2019-09-23. Review status: criteria provided, single submitter. Criteria: Ambry Variant Classification Scheme 2023. Collection method: clinical testing. Allele origin: germline.
Comment: The p.R1188K variant (also known as c.3563G>A), located in coding exon 4 of the NSD1 gene, results from a G to A substitution at nucleotide position 3563. The arginine at codon 1188 is replaced by lysine, an amino acid with highly similar properties. This amino acid position is poorly conserved in available vertebrate species. In addition, this alteration is predicted to be tolerated by in silico analysis. Since supporting evidence is limited at this time, the clinical significance of this alteration remains unclear.